The following is an entry in ClinVar:

ClinVar aggregate classification (germline): Benign (1 of 4 stars; one submission).

Allele frequency attached by ClinVar (database versions not stated): 1000 Genomes Project 0.00359; 1000 Genomes Project 30x 0.00359; TOPMed 0.00768; ESP Exome Variant Server 0.00953; gnomAD 0.00953; ExAC 0.01077; gnomAD exomes 0.01215.

Submission:

CeGaT Center for Human Genetics Tuebingen
Classification: Benign. Last evaluated: 2023-02-01. Review status: criteria provided, single submitter. Criteria: CeGaT Center For Human Genetics Tuebingen Variant Classification Criteria Version 2. Collection method: clinical testing. Allele origin: germline. Affected: yes. Observed: 1 variant allele.
Comment: IRGC: BP4, BP7, BS1, BS2

NM_019612.4(IRGC):c.957G>C (p.Val319=)

Gene: IRGC (immunity related GTPase cinema; plus strand). Cytogenetic location: 19q13.31.
Variant type: single nucleotide variant.
Coding change: c.957G>C on transcript NM_019612.4 (MANE Select); coding-DNA position 957, G replaced by C.
Protein change: p.Val319=; no amino-acid change (valine 319 retained).
Molecular consequence: synonymous variant.
Genome position (GRCh38, 1-based): chr19:43,719,515, G>C. VCF-style: chr19-43719515-G-C. GRCh37 (hg19) VCF-style: chr19-44223667-G-C.
Identifiers: ClinVar variation 2650068 (VCV002650068.24), dbSNP rs34051422, ClinGen allele CA9490979.